The following is an entry in ClinVar:

NM_004204.5(PIGQ):c.1479C>T (p.Ser493=)

Gene: PIGQ (phosphatidylinositol glycan anchor biosynthesis class Q; plus strand). Cytogenetic location: 16p13.3.
Variant type: single nucleotide variant.
Coding change: c.1479C>T on transcript NM_004204.5 (MANE Select); coding-DNA position 1479, C replaced by T.
Protein change: p.Ser493=; no amino-acid change (serine 493 retained).
Molecular consequence: synonymous variant.
Genome position (GRCh38, 1-based): chr16:580,920, C>T. VCF-style: chr16-580920-C-T. GRCh37 (hg19) VCF-style: chr16-630920-C-T.
Other names: c.1479C>T, p.Ser493= (NM_148920.4).
Identifiers: ClinVar variation 2645827 (VCV002645827.27), dbSNP rs1168037062, ClinGen allele CA492811399.

ClinVar aggregate classification (germline): Likely benign. Review status: criteria provided, multiple submitters, no conflicts (2 of 4 stars). 2 submissions from 2 submitters: Likely benign (2). Last evaluated 2023-04-06.

Conditions:
Epilepsy. Also called: Seizure disorder. Identifiers: MedGen C0014544, MeSH D004827, MONDO:0005027.

Allele frequency attached by ClinVar (database versions not stated): TOPMed below 0.00001; gnomAD exomes 0.00001.
gnomAD v4.1: 8 of 1,610,630 alleles (0.0005%); highest among the groups gnomAD compares: Admixed American, 0.0017%; no homozygotes.

Submissions (2):

Labcorp Genetics (formerly Invitae), Labcorp
Classification: Likely benign for Epilepsy. Last evaluated: 2023-04-06. Review status: criteria provided, single submitter. Criteria: Invitae Variant Classification Sherloc (09022015). Collection method: clinical testing. Allele origin: germline.

CeGaT Center for Human Genetics Tuebingen
Classification: Likely benign. Last evaluated: 2022-12-01. Review status: criteria provided, single submitter. Criteria: CeGaT Center For Human Genetics Tuebingen Variant Classification Criteria Version 2. Collection method: clinical testing. Allele origin: germline. Affected: yes. Observed: 1 variant allele.
Comment: PIGQ: BP4, BP7